The following is an entry in ClinVar:

NM_003072.5(SMARCA4):c.178G>T (p.Gly60Trp)

Gene: SMARCA4 (SWI/SNF related BAF chromatin remodeling complex subunit ATPase 4; plus strand). Cytogenetic location: 19p13.2.
Variant type: single nucleotide variant.
Coding change: c.178G>T on transcript NM_003072.5 (MANE Select); coding-DNA position 178, G replaced by T.
Protein change: p.Gly60Trp; replaces glycine 60 with tryptophan.
Molecular consequence: missense variant. On other transcripts: non-coding transcript variant (1).
Genome position (GRCh38, 1-based): chr19:10,984,329, G>T. VCF-style: chr19-10984329-G-T. GRCh37 (hg19) VCF-style: chr19-11095005-G-T.
Other names: c.178G>T, p.Gly60Trp (NM_001128844.3, NM_001128845.2, NM_001128846.2 and 6 more transcripts); short protein forms G60W.
Identifiers: ClinVar variation 3233076 (VCV003233076.2), dbSNP rs1307434805, ClinGen allele CA404054566.

ClinVar aggregate classification (germline): Uncertain significance. Review status: criteria provided, multiple submitters, no conflicts (2 of 4 stars). 2 submissions from 2 submitters: Uncertain significance (2). Last evaluated 2025-06-17.

Conditions:
Hereditary cancer-predisposing syndrome. Also called: Neoplastic Syndromes, Hereditary; Tumor predisposition; Hereditary neoplastic syndrome; Hereditary Cancer Syndrome. Identifiers: Orphanet 140162, MedGen C0027672, MeSH D009386, MONDO:0015356.
Rhabdoid tumor predisposition syndrome 2 (RTPS2). Identifiers: Orphanet 231108, Orphanet 69077, MedGen C2750074, MONDO:0013224, OMIM 613325.

gnomAD v4.1: 1 of 1,601,038 alleles (0.000062%); highest among the groups gnomAD compares: East Asian, 0.0023%; no homozygotes.

Submissions (2):

Labcorp Genetics (formerly Invitae), Labcorp
Classification: Uncertain significance for Rhabdoid tumor predisposition syndrome 2. Last evaluated: 2025-06-17. Review status: criteria provided, single submitter. Criteria: Invitae Variant Classification Sherloc (09022015). Collection method: clinical testing. Allele origin: germline.
Comment: This sequence change replaces glycine, which is neutral and non-polar, with tryptophan, which is neutral and slightly polar, at codon 60 of the SMARCA4 protein (p.Gly60Trp). This variant is not present in population databases (gnomAD no frequency). This variant has not been reported in the literature in individuals affected with SMARCA4-related conditions. ClinVar contains an entry for this variant (Variation ID: 3233076). Invitae Evidence Modeling of protein sequence and biophysical properties (such as structural, functional, and spatial information, amino acid conservation, physicochemical variation, residue mobility, and thermodynamic stability) has been performed for this missense variant. However, the output from this modeling did not meet the statistical confidence thresholds required to predict the impact of this variant on SMARCA4 protein function. In summary, the available evidence is currently insufficient to determine the role of this variant in disease. Therefore, it has been classified as a Variant of Uncertain Significance.

Ambry Genetics
Classification: Uncertain significance for Hereditary cancer-predisposing syndrome. Last evaluated: 2024-02-29. Review status: criteria provided, single submitter. Criteria: Ambry Variant Classification Scheme 2023. Collection method: clinical testing. Allele origin: germline.
Comment: The p.G60W variant (also known as c.178G>T), located in coding exon 1 of the SMARCA4 gene, results from a G to T substitution at nucleotide position 178. The glycine at codon 60 is replaced by tryptophan, an amino acid with highly dissimilar properties. This amino acid position is highly conserved in available vertebrate species. In addition, the in silico prediction for this alteration is inconclusive. Based on the available evidence, the clinical significance of this alteration remains unclear.